The following is an entry in ClinVar:

NM_000069.3(CACNA1S):c.4650G>T (p.Lys1550Asn)

Gene: CACNA1S (calcium voltage-gated channel subunit alpha1 S; minus strand). Cytogenetic location: 1q32.1.
Variant type: single nucleotide variant.
Coding change: c.4650G>T on transcript NM_000069.3 (MANE Select); coding-DNA position 4650, G replaced by T.
Protein change: p.Lys1550Asn; replaces lysine 1550 with asparagine.
Molecular consequence: missense variant.
Genome position (GRCh38, 1-based): chr1:201,047,133, C>A on the plus strand (G>T on the coding strand, the complement: CACNA1S is on the minus strand). VCF-style: chr1-201047133-C-A. GRCh37 (hg19) VCF-style: chr1-201016261-C-A.
Other names: short protein forms K1550N.
Identifiers: ClinVar variation 859682 (VCV000859682.15), dbSNP rs1413666626, ClinGen allele CA344141665.

ClinVar aggregate classification (germline): Uncertain significance. Review status: criteria provided, multiple submitters, no conflicts (2 of 4 stars). 9 submissions from 6 submitters: Uncertain significance (9). Last evaluated 2025-10-12.

Conditions:
Hypokalemic periodic paralysis, type 1. Also called: Hypokalemic Periodic Paralysis Type 1 (AD); HypoPP. Identifiers: Orphanet 681, MedGen C3714580, MONDO:0042979, OMIM 170400.
Malignant hyperthermia, susceptibility to, 5 (MHS5). Also called: CACNA1S-Related Malignant Hyperthermia Susceptibility. Identifiers: Orphanet 423, MedGen C1866077, MONDO:0011163, OMIM 601887.
Thyrotoxic periodic paralysis, susceptibility to, 1 (TTPP1). Identifiers: Orphanet 79102, MedGen C2749982, MONDO:0008570, OMIM 188580.
Congenital myopathy 18. Also called: Myopathy, congenital, due to dihydropyridine receptor defect; DIHYDROPYRIDINE RECEPTOR CONGENITAL MYOPATHY; DHPR CONGENITAL MYOPATHY. Identifiers: MedGen C5830283, MONDO:0859514, OMIM 620246.
Inborn genetic diseases. Identifiers: MedGen C0950123, MeSH D030342.

Allele frequency attached by ClinVar (database versions not stated): gnomAD exomes below 0.00001; gnomAD 0.00001; TOPMed 0.00001.
gnomAD v4.1: 12 of 1,614,078 alleles (0.00074%); highest among the groups gnomAD compares: East Asian, 0.011%; no homozygotes.

Submissions (9):

Labcorp Genetics (formerly Invitae), Labcorp
Classification: Uncertain significance for Hypokalemic periodic paralysis, type 1; Malignant hyperthermia, susceptibility to, 5. Last evaluated: 2025-10-12. Review status: criteria provided, single submitter. Criteria: Invitae Variant Classification Sherloc (09022015). Collection method: clinical testing. Allele origin: germline.
Comment: This sequence change replaces lysine, which is basic and polar, with asparagine, which is neutral and polar, at codon 1550 of the CACNA1S protein (p.Lys1550Asn). This variant is not present in population databases (gnomAD no frequency). This missense change has been observed in individual(s) with clinical features of CACNA1S-related conditions (internal data). ClinVar contains an entry for this variant (Variation ID: 859682). Invitae Evidence Modeling of protein sequence and biophysical properties (such as structural, functional, and spatial information, amino acid conservation, physicochemical variation, residue mobility, and thermodynamic stability) indicates that this missense variant is not expected to disrupt CACNA1S protein function with a negative predictive value of 95%. In summary, the available evidence is currently insufficient to determine the role of this variant in disease. Therefore, it has been classified as a Variant of Uncertain Significance.

Ambry Genetics
Classification: Uncertain significance for Inborn genetic diseases. Last evaluated: 2025-08-21. Review status: criteria provided, single submitter. Criteria: Ambry Variant Classification Scheme 2023. Collection method: clinical testing. Allele origin: germline.

Blueprint Genetics
Classification: Uncertain significance. Last evaluated: 2024-04-19. Review status: criteria provided, single submitter. Criteria: ACMG Guidelines, 2015. Collection method: clinical testing. Allele origin: germline.

Color Diagnostics, LLC DBA Color Health
Classification: Uncertain significance for Malignant hyperthermia, susceptibility to, 5. Last evaluated: 2024-02-14. Review status: criteria provided, single submitter. Criteria: ACMG Guidelines, 2015. Collection method: clinical testing. Allele origin: germline.
Comment: This missense variant replaces lysine with asparagine at codon 1550 of the CACNA1S protein. Computational prediction suggests that this variant may not impact protein structure and function. To our knowledge, functional studies have not been reported for this variant. This variant has not been reported in individuals affected with CACNA1S-related disorders in the literature. This variant has not been identified in the general population by the Genome Aggregation Database (gnomAD). The available evidence is insufficient to determine the role of this variant in disease conclusively. Therefore, this variant is classified as a Variant of Uncertain Significance.

Genome-Nilou Lab
Classification: Uncertain significance for Malignant hyperthermia, susceptibility to, 5. Last evaluated: 2023-04-11. Review status: criteria provided, single submitter. Criteria: ACMG Guidelines, 2015. Collection method: clinical testing. Allele origin: germline. Affected: no.

Genome-Nilou Lab
Classification: Uncertain significance for Thyrotoxic periodic paralysis, susceptibility to, 1. Last evaluated: 2023-04-11. Review status: criteria provided, single submitter. Criteria: ACMG Guidelines, 2015. Collection method: clinical testing. Allele origin: germline. Affected: no.

Genome-Nilou Lab
Classification: Uncertain significance for Congenital myopathy 18. Last evaluated: 2023-04-11. Review status: criteria provided, single submitter. Criteria: ACMG Guidelines, 2015. Collection method: clinical testing. Allele origin: germline. Affected: no.

Genome-Nilou Lab
Classification: Uncertain significance for Hypokalemic periodic paralysis, type 1. Last evaluated: 2023-04-11. Review status: criteria provided, single submitter. Criteria: ACMG Guidelines, 2015. Collection method: clinical testing. Allele origin: germline. Affected: no.

Fulgent Genetics
Classification: Uncertain significance for Hypokalemic periodic paralysis, type 1; Thyrotoxic periodic paralysis, susceptibility to, 1; Malignant hyperthermia, susceptibility to, 5. Last evaluated: 2021-11-09. Review status: criteria provided, single submitter. Criteria: ACMG Guidelines, 2015. Collection method: clinical testing. Allele origin: unknown.